The following is an entry in ClinVar:

NM_003640.5(ELP1):c.1721C>T (p.Ala574Val)

Gene: ELP1 (elongator acetyltransferase complex subunit 1; minus strand). Cytogenetic location: 9q31.3.
Variant type: single nucleotide variant.
Coding change: c.1721C>T on transcript NM_003640.5 (MANE Select); coding-DNA position 1721, C replaced by T.
Protein change: p.Ala574Val; replaces alanine 574 with valine.
Molecular consequence: missense variant.
Genome position (GRCh38, 1-based): chr9:108,903,592, G>A on the plus strand (C>T on the coding strand, the complement: ELP1 is on the minus strand). VCF-style: chr9-108903592-G-A. GRCh37 (hg19) VCF-style: chr9-111665872-G-A.
Other names: c.1721C>T (LRG_251t1); c.1379C>T, p.Ala460Val (NM_001318360.2); c.674C>T, p.Ala225Val (NM_001330749.2); short protein forms A574V, A225V, A460V.
Identifiers: ClinVar variation 509943 (VCV000509943.20), dbSNP rs35455790, ClinGen allele CA5174923.
Genomic context (GRCh38, chr9:108,903,592, plus strand): 5'-TAACATGCTTTCCTAACACCTTGATACTCACCCCAAAGGTACTTAAATATCTGGCCATCA[G>A]CCAGCTGTAATACTACTGACTTGGTCTTGGAATTGCAACATAGACTGATTATGACCCCAT-3'
Protein context (NP_003631.2, residues 564-584): SKTKSVVLQL[Ala574Val]DGQIFKYLWE

ClinVar aggregate classification (germline): Benign. Review status: criteria provided, multiple submitters, no conflicts (2 of 4 stars). 5 submissions from 5 submitters: Benign (4). 1 of the submissions does not count toward it. Last evaluated 2026-02-04.

Conditions:
Hereditary sensory and autonomic neuropathy. Identifiers: Orphanet 140471, MedGen C0027889, MONDO:0015364.
Familial dysautonomia. Also called: FD; HSAN III. Identifiers: Orphanet 1764, MedGen C0013364, MONDO:0009131, OMIM 223900. Disease mechanism: loss of function.

Allele frequency attached by ClinVar (database versions not stated): gnomAD exomes 0.00044 and 0.00129; ESP Exome Variant Server 0.00607; 1000 Genomes Project 30x 0.00609; gnomAD 0.00524 and 0.00499; 1000 Genomes Project 0.00559; TOPMed 0.00570; ExAC 0.00164.
gnomAD v4.1: 1,420 of 1,613,558 alleles (0.088%); highest among the groups gnomAD compares: African/African-American, 1.7%; 19 homozygotes.

Submissions (5):

Labcorp Genetics (formerly Invitae), Labcorp
Classification: Benign. Last evaluated: 2026-02-04. Review status: criteria provided, single submitter. Criteria: Invitae Variant Classification Sherloc (09022015). Collection method: clinical testing. Allele origin: germline.

ARUP Laboratories, Molecular Genetics and Genomics, ARUP Laboratories
Classification: Benign for Familial dysautonomia. Last evaluated: 2019-05-02. Review status: criteria provided, single submitter. Criteria: ARUP Molecular Germline Variant Investigation Process. Collection method: clinical testing. Allele origin: germline.

GeneDx
Classification: Benign. Last evaluated: 2017-02-13. Review status: criteria provided, single submitter. Criteria: GeneDx Variant Classification (06012015). Collection method: clinical testing. Allele origin: germline. Affected: yes.
Comment: This variant is considered likely benign or benign based on one or more of the following criteria: it is a conservative change, it occurs at a poorly conserved position in the protein, it is predicted to be benign by multiple in silico algorithms, and/or has population frequency not consistent with disease.

Breakthrough Genomics
Classification: Benign. Review status: criteria provided, single submitter. Criteria: ACMG Guidelines, 2015. Collection method: not provided. Allele origin: germline. Inheritance: Autosomal recessive inheritance. Affected: yes.

Natera, Inc.
Classification: Likely benign for Hereditary sensory and autonomic neuropathy. Last evaluated: 2019-12-06. Review status: no assertion criteria provided. Collection method: clinical testing. Allele origin: germline. Not counted in ClinVar's aggregate classification.